The following is an entry in ClinVar:

ClinVar aggregate classification (germline): Pathogenic (1 of 4 stars; one submission).

Submission:

GeneDx
Classification: Pathogenic. Last evaluated: 2016-08-09. Review status: criteria provided, single submitter. Criteria: GeneDx Variant Classification (06012015). Collection method: clinical testing. Allele origin: germline. Affected: yes.
Comment: The Q572X nonsense variant in the CHD7 gene has been reported previously in association with CHARGE syndrome, including an instance of apparent de novo occurrence (Vissers et al., 2004; Bergman et al., 2011). Approximately 45% of CHD7 pathogenic variants are nonsense changes predicted to cause loss of normal protein function either through protein truncation or nonsense-mediated mRNA decay (Janssen et al., 2012; Zentner et al, 2010). Additionally, the Q572X variant was not observed in approximately 6,000 individuals of European and African American ancestry in the NHLBI Exome Sequencing Project, indicating it is not a common benign variant in these populations.

NM_017780.4(CHD7):c.1714C>T (p.Gln572Ter)

Genes: CHD7 (chromodomain helicase DNA binding protein 7; plus strand), LOC126860403 (CDK7 strongly-dependent group 2 enhancer GRCh37_chr8:61693034-61694233; plus strand). Cytogenetic location: 8q12.2.
Variant type: single nucleotide variant.
Coding change: c.1714C>T on transcript NM_017780.4 (MANE Select); coding-DNA position 1714, C replaced by T.
Protein change: p.Gln572Ter; replaces glutamine 572 with a stop codon.
Molecular consequence: nonsense.
Genome position (GRCh38, 1-based): chr8:60,781,048, C>T. VCF-style: chr8-60781048-C-T. GRCh37 (hg19) VCF-style: chr8-61693607-C-T.
Other names: c.1714C>T (LRG_176t1); c.1714C>T, p.Gln572Ter (NM_001316690.1); short protein forms Q572*.
Identifiers: ClinVar variation 265404 (VCV000265404.2), dbSNP rs886039527, ClinGen allele CA10588458.